The following is an entry in ClinVar:

ClinVar aggregate classification (germline): Uncertain significance (1 of 4 stars; one submission).

Conditions:
Gastrointestinal stromal tumor. Also called: Gastrointestinal stromal tumor, somatic; Gastrointestinal stroma tumor. Identifiers: Orphanet 44890, MedGen C0238198, MeSH D046152, MONDO:0011719, OMIM 606764, HP:0100723.

Submission:

Labcorp Genetics (formerly Invitae), Labcorp
Classification: Uncertain significance for Gastrointestinal stromal tumor. Last evaluated: 2022-12-20. Review status: criteria provided, single submitter. Criteria: Invitae Variant Classification Sherloc (09022015). Collection method: clinical testing. Allele origin: germline.
Comment: In summary, the available evidence is currently insufficient to determine the role of this variant in disease. Therefore, it has been classified as a Variant of Uncertain Significance. Experimental studies and prediction algorithms are not available or were not evaluated, and the effect of this variant on mRNA splicing is currently unknown. This variant has not been reported in the literature in individuals affected with PDGFRA-related conditions. Information on the frequency of this variant in the gnomAD database is not available, as this variant may be reported differently in the database. This sequence change falls in intron 18 of the PDGFRA gene. It does not directly change the encoded amino acid sequence of the PDGFRA protein.

NM_006206.6(PDGFRA):c.2562+12_2562+13inv

Gene: PDGFRA (platelet derived growth factor receptor alpha; plus strand). Cytogenetic location: 4q12.
Variant type: Inversion.
Coding change: c.2562+12_2562+13inv on transcript NM_006206.6 (MANE Select).
Molecular consequence: intron variant.
Genome position: GRCh38 VCF-style: chr4-54285975-CT-AG. GRCh37 (hg19) VCF-style: chr4-55152142-CT-AG.
Other names: c.2637+12_2637+13inv (NM_001347828.2); c.2562+12_2562+13inv (NM_001347829.2); c.2601+12_2601+13inv (NM_001347830.2).
Identifiers: ClinVar variation 2822729 (VCV002822729.3), ClinGen allele CA2739265907.